The following is an entry in ClinVar:

NM_001017420.3(ESCO2):c.820C>G (p.Leu274Val)

Gene: ESCO2 (establishment of sister chromatid cohesion N-acetyltransferase 2; plus strand). Cytogenetic location: 8p21.1.
Variant type: single nucleotide variant.
Coding change: c.820C>G on transcript NM_001017420.3 (MANE Select); coding-DNA position 820, C replaced by G.
Protein change: p.Leu274Val; replaces leucine 274 with valine.
Molecular consequence: missense variant.
Genome position (GRCh38, 1-based): chr8:27,777,128, C>G. VCF-style: chr8-27777128-C-G. GRCh37 (hg19) VCF-style: chr8-27634645-C-G.
Other names: short protein forms L274V.
Identifiers: ClinVar variation 790050 (VCV000790050.17), dbSNP rs111667783, ClinGen allele CA4692119.

ClinVar aggregate classification (germline): Benign/Likely benign. Review status: criteria provided, multiple submitters, no conflicts (2 of 4 stars). 4 submissions from 4 submitters: Benign (2); Likely benign (1). 1 of the submissions does not count toward it. Last evaluated 2026-09-01.

Conditions:
Roberts-SC phocomelia syndrome (RBS). Also called: Pseudothalidomide syndrome; Appelt-Gerken-Lenz syndrome; Hypomelia hypotrichosis facial hemangioma syndrome; LONG BONE DEFICIENCIES ASSOCIATED WITH CLEFT LIP-PALATE; ESCO2 Spectrum Disorder. Identifiers: Orphanet 3103, MedGen C0392475, MONDO:0100253, OMIM 268300.

Allele frequency attached by ClinVar (database versions not stated): ExAC 0.00099; gnomAD 0.00325 and 0.00348; TOPMed 0.00351; ESP Exome Variant Server 0.00369; 1000 Genomes Project 0.00439; 1000 Genomes Project 30x 0.00531.
gnomAD v4.1: 921 of 1,595,862 alleles (0.058%); highest among the groups gnomAD compares: African/African-American, 1.1%; 13 homozygotes.

Submissions (4):

CeGaT Center for Human Genetics Tuebingen
Classification: Benign. Last evaluated: 2026-09-01. Review status: criteria provided, single submitter. Criteria: CeGaT Center For Human Genetics Tuebingen Variant Classification Criteria Version 2. Collection method: clinical testing. Allele origin: germline. Affected: yes. Observed: 3 variant alleles.
Comment: ESCO2: BP4, BS1, BS2

Labcorp Genetics (formerly Invitae), Labcorp
Classification: Benign. Last evaluated: 2026-01-20. Review status: criteria provided, single submitter. Criteria: Invitae Variant Classification Sherloc (09022015). Collection method: clinical testing. Allele origin: germline.

Blueprint Genetics
Classification: Likely benign. Last evaluated: 2024-10-22. Review status: criteria provided, single submitter. Criteria: ACMG Guidelines, 2015. Collection method: clinical testing. Allele origin: germline.

Natera, Inc.
Classification: Benign for Roberts syndrome. Last evaluated: 2020-09-16. Review status: no assertion criteria provided. Collection method: clinical testing. Allele origin: germline. Not counted in ClinVar's aggregate classification.